The following is an entry in ClinVar:

ClinVar aggregate classification (germline): Uncertain significance (1 of 4 stars; one submission).

Conditions:
Inborn genetic diseases. Identifiers: MedGen C0950123, MeSH D030342.

Submission:

Ambry Genetics
Classification: Uncertain significance for Inborn genetic diseases. Last evaluated: 2026-06-02. Review status: criteria provided, single submitter. Criteria: Ambry Variant Classification Scheme 2023. Collection method: clinical testing. Allele origin: germline.
Comment: The p.F1155S variant (also known as c.3464T>C), located in coding exon 20 of the RECQL4 gene, results from a T to C substitution at nucleotide position 3464. The phenylalanine at codon 1155 is replaced by serine, an amino acid with highly dissimilar properties. This amino acid position is conserved. In addition, the in silico prediction for this alteration is inconclusive. Based on the available evidence, the clinical significance of this variant remains unclear.

NM_004260.4(RECQL4):c.3464T>C (p.Phe1155Ser)

Gene: RECQL4 (RecQ like helicase 4; minus strand). Cytogenetic location: 8q24.3.
Variant type: single nucleotide variant.
Coding change: c.3464T>C on transcript NM_004260.4 (MANE Select); coding-DNA position 3464, T replaced by C.
Protein change: p.Phe1155Ser; replaces phenylalanine 1155 with serine.
Molecular consequence: missense variant. On other transcripts: non-coding transcript variant (3).
Genome position (GRCh38, 1-based): chr8:144,511,719, A>G on the plus strand (T>C on the coding strand, the complement: RECQL4 is on the minus strand). VCF-style: chr8-144511719-A-G. GRCh37 (hg19) VCF-style: chr8-145737102-A-G.
Other names: c.3170T>C, p.Phe1057Ser (NM_001413017.1); c.3266T>C, p.Phe1089Ser (NM_001413018.1); c.3539T>C, p.Phe1180Ser (NM_001413019.1); c.3368T>C, p.Phe1123Ser (NM_001413020.1); c.2393T>C, p.Phe798Ser (NM_001413021.1, NM_001413022.1, NM_001413024.1 and 4 more transcripts); c.2468T>C, p.Phe823Ser (NM_001413023.1); c.3335T>C, p.Phe1112Ser (NM_001413025.1); c.2327T>C, p.Phe776Ser (NM_001413027.1, NM_001413030.1, NM_001413032.1); and 9 more; short protein forms F1038S, F1057S, F1089S, F1111S, F1112S, F1123S, F1145S, F1155S.
Identifiers: ClinVar variation 4863206 (VCV004863206.1).